The following is an entry in ClinVar:

ClinVar aggregate classification (germline): Uncertain significance (1 of 4 stars; one submission).

Conditions:
Episodic ataxia type 2 (EA2). Also called: ATAXIA, EPISODIC, WITH NYSTAGMUS; ATAXIA, FAMILIAL PAROXYSMAL; CEREBELLAR ATAXIA, PAROXYSMAL, ACETAZOLAMIDE-RESPONSIVE; CEREBELLOPATHY, HEREDITARY PAROXYSMAL; ACETAZOLAMIDE-RESPONSIVE HEREDITARY PAROXYSMAL CEREBELLAR ATAXIA; EPISODIC ATAXIA, NYSTAGMUS-ASSOCIATED. Identifiers: Orphanet 97, MedGen C1720416, MONDO:0007163, OMIM 108500.
Developmental and epileptic encephalopathy, 42 (DEE42A). Also called: DEVELOPMENTAL AND EPILEPTIC ENCEPHALOPATHY 42A; EPILEPTIC ENCEPHALOPATHY, EARLY INFANTILE, 42A; Epileptic encephalopathy, early infantile, 42. Identifiers: MedGen C4310716, MONDO:0014917, OMIM 617106.

Submission:

Labcorp Genetics (formerly Invitae), Labcorp
Classification: Uncertain significance for Developmental and epileptic encephalopathy, 42; Episodic ataxia type 2. Last evaluated: 2021-03-21. Review status: criteria provided, single submitter. Criteria: Invitae Variant Classification Sherloc (09022015). Collection method: clinical testing. Allele origin: germline.
Comment: Advanced modeling of protein sequence and biophysical properties (such as structural, functional, and spatial information, amino acid conservation, physicochemical variation, residue mobility, and thermodynamic stability) performed at Invitae indicates that this missense variant is expected to disrupt CACNA1A protein function. In summary, the available evidence is currently insufficient to determine the role of this variant in disease. Therefore, it has been classified as a Variant of Uncertain Significance. This variant has not been reported in the literature in individuals with CACNA1A-related conditions. This variant is not present in population databases (ExAC no frequency). This sequence change replaces leucine with phenylalanine at codon 1668 of the CACNA1A protein (p.Leu1668Phe). The leucine residue is highly conserved and there is a small physicochemical difference between leucine and phenylalanine.

NM_001127222.2(CACNA1A):c.4999C>T (p.Leu1667Phe)

Gene: CACNA1A (calcium voltage-gated channel subunit alpha1 A; minus strand). Cytogenetic location: 19p13.13.
Variant type: single nucleotide variant.
Coding change: c.4999C>T on transcript NM_001127222.2 (MANE Select); coding-DNA position 4999, C replaced by T.
Protein change: p.Leu1667Phe; replaces leucine 1667 with phenylalanine.
Molecular consequence: missense variant.
Genome position (GRCh38, 1-based): chr19:13,235,682, G>A on the plus strand (C>T on the coding strand, the complement: CACNA1A is on the minus strand). VCF-style: chr19-13235682-G-A. GRCh37 (hg19) VCF-style: chr19-13346496-G-A.
Other names: c.5017C>T, p.Leu1673Phe (NM_000068.4, NM_023035.3); c.5002C>T, p.Leu1668Phe (NM_001127221.2); c.5008C>T, p.Leu1670Phe (NM_001174080.2); short protein forms L1670F, L1667F, L1673F, L1668F.
Identifiers: ClinVar variation 1496838 (VCV001496838.8), dbSNP rs2144649806, ClinGen allele CA404336896.